The following is an entry in ClinVar:

ClinVar aggregate classification (germline): Likely pathogenic (1 of 4 stars; one submission).

Conditions:
Paediatric disorders.

Submission:

North West Genomic Laboratory Hub, Manchester University NHS Foundation Trust
Classification: Likely pathogenic for Paediatric disorders. Last evaluated: 2025-10-24. Review status: criteria provided, single submitter. Criteria: ACGS Best Practice Guidelines for Variant Classification in Rare Disease 2024. Collection method: clinical testing. Allele origin: germline. Affected: yes.
Comment: PM1_Mod PM2_Mod PS2_Mod PP3_Supp

NM_005654.6(NR2F1):c.278C>G (p.Ser93Trp)

Genes: NR2F1 (nuclear receptor subfamily 2 group F member 1; plus strand), NR2F1-AS1 (NR2F1 regulatory antisense RNA 1; minus strand). Cytogenetic location: 5q15.
Variant type: single nucleotide variant.
Coding change: c.278C>G on transcript NM_005654.6 (MANE Select); coding-DNA position 278, C replaced by G.
Protein change: p.Ser93Trp; replaces serine 93 with tryptophan.
Molecular consequence: missense variant.
Genome position (GRCh38, 1-based): chr5:93,585,301, C>G. VCF-style: chr5-93585301-C-G. GRCh37 (hg19) VCF-style: chr5-92921007-C-G.
Other names: short protein forms S93W.
Identifiers: ClinVar variation 5020075 (VCV005020075.1).